The following is an entry in ClinVar:

ClinVar aggregate classification (germline): Uncertain significance (1 of 4 stars; one submission).

Conditions:
T-cell immunodeficiency, congenital alopecia, and nail dystrophy. Also called: Congenital alopecia and nail dystrophy associated with severe functional T-cell immunodeficiency; Pignata Guarino syndrome. Identifiers: Orphanet 169095, MedGen C1866426, MONDO:0011132, OMIM 601705.

Allele frequency attached by ClinVar (database versions not stated): gnomAD exomes below 0.00001; TOPMed below 0.00001.
gnomAD v4.1: 5 of 1,613,676 alleles (0.00031%); highest among the groups gnomAD compares: Non-Finnish European, 0.00034%; no homozygotes.

Submission:

Labcorp Genetics (formerly Invitae), Labcorp
Classification: Uncertain significance for T-cell immunodeficiency, congenital alopecia, and nail dystrophy. Last evaluated: 2024-02-24. Review status: criteria provided, single submitter. Criteria: Invitae Variant Classification Sherloc (09022015). Collection method: clinical testing. Allele origin: germline.
Comment: This sequence change replaces proline, which is neutral and non-polar, with serine, which is neutral and polar, at codon 65 of the FOXN1 protein (p.Pro65Ser). This variant is not present in population databases (gnomAD no frequency). This variant has not been reported in the literature in individuals affected with FOXN1-related conditions. ClinVar contains an entry for this variant (Variation ID: 1524664). Advanced modeling of protein sequence and biophysical properties (such as structural, functional, and spatial information, amino acid conservation, physicochemical variation, residue mobility, and thermodynamic stability) performed at Invitae indicates that this missense variant is not expected to disrupt FOXN1 protein function with a negative predictive value of 80%. In summary, the available evidence is currently insufficient to determine the role of this variant in disease. Therefore, it has been classified as a Variant of Uncertain Significance.

NM_001369369.1(FOXN1):c.193C>T (p.Pro65Ser)

Gene: FOXN1 (forkhead box N1; plus strand). Cytogenetic location: 17q11.2.
Variant type: single nucleotide variant.
Coding change: c.193C>T on transcript NM_001369369.1 (MANE Select); coding-DNA position 193, C replaced by T.
Protein change: p.Pro65Ser; replaces proline 65 with serine.
Molecular consequence: missense variant.
Genome position (GRCh38, 1-based): chr17:28,524,572, C>T. VCF-style: chr17-28524572-C-T. GRCh37 (hg19) VCF-style: chr17-26851590-C-T.
Other names: c.193C>T, p.Pro65Ser (NM_003593.3); short protein forms P65S.
Identifiers: ClinVar variation 1524664 (VCV001524664.7), dbSNP rs1278633346, ClinGen allele CA398320695.